The following is an entry in ClinVar:

ClinVar aggregate classification (germline): Uncertain significance (1 of 4 stars; one submission).

Conditions:
Growth delay due to insulin-like growth factor I resistance. Also called: Somatomedin end-organ insensitivity to; Somatomedin-c resistance to; IGF-1 resistance; IGF-I RESISTANCE; Insulin-Like Growth Factor I Resistance. Identifiers: Orphanet 73273, MedGen C1849157, MONDO:0010038, OMIM 270450.

Submission:

MVZ Medizinische Genetik Mainz
Classification: Uncertain significance for Growth delay due to insulin-like growth factor I resistance. Last evaluated: 2023-12-06. Review status: criteria provided, single submitter. Criteria: UK Practice Guidelines For Variant Classification V4 01 2020. Collection method: clinical testing. Allele origin: germline. Inheritance: Autosomal dominant inheritance. Affected: yes. Observed: 1 variant allele.
Comment: ACMG Criteria: PP3_MOD,PM2_SUP

NM_000875.5(IGF1R):c.302C>G (p.Pro101Arg)

Gene: IGF1R (insulin like growth factor 1 receptor; plus strand). Cytogenetic location: 15q26.3.
Variant type: single nucleotide variant.
Coding change: c.302C>G on transcript NM_000875.5 (MANE Select); coding-DNA position 302, C replaced by G.
Protein change: p.Pro101Arg; replaces proline 101 with arginine.
Molecular consequence: missense variant.
Genome position (GRCh38, 1-based): chr15:98,707,769, C>G. VCF-style: chr15-98707769-C-G. GRCh37 (hg19) VCF-style: chr15-99250998-C-G.
Other names: c.302C>G, p.Pro101Arg (NM_001291858.2); short protein forms P101R.
Identifiers: ClinVar variation 3236387 (VCV003236387.1), dbSNP rs2053900874, ClinGen allele CA393696974.